The following is an entry in ClinVar:

NM_000059.4(BRCA2):c.5757G>T (p.Lys1919Asn)

Gene: BRCA2 (BRCA2 DNA repair associated; plus strand). Cytogenetic location: 13q13.1.
Variant type: single nucleotide variant.
Coding change: c.5757G>T on transcript NM_000059.4 (MANE Select); coding-DNA position 5757, G replaced by T.
Protein change: p.Lys1919Asn; replaces lysine 1919 with asparagine.
Molecular consequence: missense variant.
Genome position (GRCh38, 1-based): chr13:32,340,112, G>T. VCF-style: chr13-32340112-G-T. GRCh37 (hg19) VCF-style: chr13-32914249-G-T.
Other names: short protein forms K1919N.
Identifiers: ClinVar variation 628788 (VCV000628788.16), dbSNP rs1566233164, ClinGen allele CA387787052.

ClinVar aggregate classification (germline): Conflicting classifications of pathogenicity. Review status: criteria provided, conflicting classifications (1 of 4 stars). 4 submissions from 4 submitters: Uncertain significance (3); Likely benign (1). Last evaluated 2023-03-23.

Conditions:
Hereditary cancer-predisposing syndrome. Also called: Neoplastic Syndromes, Hereditary; Tumor predisposition; Hereditary neoplastic syndrome; Hereditary Cancer Syndrome. Identifiers: Orphanet 140162, MedGen C0027672, MeSH D009386, MONDO:0015356.
Hereditary breast ovarian cancer syndrome. Also called: Hereditary breast and ovarian cancer syndrome; Hereditary breast and ovarian cancer; Hereditary breast and ovarian cancer syndrome (HBOC); Breast and ovarian cancer; Hereditary breast and/or ovarian cancer syndrome; BRCA1- and BRCA2-Associated Hereditary Breast and Ovarian Cancer. Identifiers: Orphanet 145, MedGen C0677776, MeSH D061325, MONDO:0003582. Disease mechanism: loss of function.

Allele frequency attached by ClinVar (database versions not stated): gnomAD exomes below 0.00001.
gnomAD v4.1: 4 of 1,613,634 alleles (0.00025%); highest among the groups gnomAD compares: Non-Finnish European, 0.00034%; no homozygotes.

Submissions (4):

University of Washington Department of Laboratory Medicine, University of Washington
Classification: Likely benign for Hereditary cancer-predisposing syndrome. Last evaluated: 2023-03-23. Review status: criteria provided, single submitter. Criteria: Dines et al. (Genet Med. 2020). Collection method: curation. Allele origin: germline.
Comment: Missense variant in a coldspot region where missense variants are very unlikely to be pathogenic (PMID:31911673).

BRCA2 exon 11 coldspot. Reclassification based on statistical prior probability.

Labcorp Genetics (formerly Invitae), Labcorp
Classification: Uncertain significance for Hereditary breast ovarian cancer syndrome. Last evaluated: 2022-02-17. Review status: criteria provided, single submitter. Criteria: Invitae Variant Classification Sherloc (09022015). Collection method: clinical testing. Allele origin: germline.
Comment: This sequence change replaces lysine, which is basic and polar, with asparagine, which is neutral and polar, at codon 1919 of the BRCA2 protein (p.Lys1919Asn). In summary, the available evidence is currently insufficient to determine the role of this variant in disease. Therefore, it has been classified as a Variant of Uncertain Significance. Advanced modeling of protein sequence and biophysical properties (such as structural, functional, and spatial information, amino acid conservation, physicochemical variation, residue mobility, and thermodynamic stability) performed at Invitae indicates that this missense variant is not expected to disrupt BRCA2 protein function. ClinVar contains an entry for this variant (Variation ID: 628788). This variant has not been reported in the literature in individuals affected with BRCA2-related conditions. This variant is not present in population databases (gnomAD no frequency).

Ambry Genetics
Classification: Uncertain significance for Hereditary cancer-predisposing syndrome. Last evaluated: 2021-10-14. Review status: criteria provided, single submitter. Criteria: Ambry Variant Classification Scheme 2023. Collection method: clinical testing. Allele origin: germline.
Comment: The p.K1919N variant (also known as c.5757G>T), located in coding exon 10 of the BRCA2 gene, results from a G to T substitution at nucleotide position 5757. The lysine at codon 1919 is replaced by asparagine, an amino acid with similar properties. This amino acid position is not well conserved in available vertebrate species. In addition, this alteration is predicted to be tolerated by in silico analysis. Since supporting evidence is limited at this time, the clinical significance of this alteration remains unclear.

Color Diagnostics, LLC DBA Color Health
Classification: Uncertain significance for Hereditary cancer-predisposing syndrome. Last evaluated: 2019-01-05. Review status: criteria provided, single submitter. Criteria: ACMG Guidelines, 2015. Collection method: clinical testing. Allele origin: germline.